The following is an entry in ClinVar:

ClinVar aggregate classification (germline): Uncertain significance (1 of 4 stars; one submission).

Allele frequency attached by ClinVar (database versions not stated): TOPMed below 0.00001; gnomAD exomes 0.00001.
gnomAD v4.1: 7 of 1,211,135 alleles (0.00058%); highest among the groups gnomAD compares: South Asian, 0.0035%; no homozygotes.

Submission:

GeneDx
Classification: Uncertain significance. Last evaluated: 2017-03-10. Review status: criteria provided, single submitter. Criteria: GeneDx Variant Classification (06012015). Collection method: clinical testing. Allele origin: germline. Affected: yes.
Comment: The D740N variant in the NLGN4X gene has not been reported previously as a pathogenic variant, nor as a benign variant, to our knowledge. The D740N variant is not observed in large population cohorts (Lek et al., 2016; 1000 Genomes Consortium et al., 2015; Exome Variant Server). The D740N variant is a semi-conservative amino acid substitution, which may impact secondary protein structure as these residues differ in some properties. This substitution occurs at a position that is conserved in mammals. In silico analysis is inconsistent in its predictions as to whether or not the variant is damaging to the protein structure/function. We interpret D740N as a variant of uncertain significance.

NM_181332.3(NLGN4X):c.2218G>A (p.Asp740Asn)

Gene: NLGN4X (neuroligin 4 X-linked; minus strand). Cytogenetic location: Xp22.32.
Variant type: single nucleotide variant.
Coding change: c.2218G>A on transcript NM_181332.3 (MANE Select); coding-DNA position 2218, G replaced by A.
Protein change: p.Asp740Asn; replaces aspartic acid 740 with asparagine.
Molecular consequence: missense variant.
Genome position (GRCh38, 1-based): chrX:5,893,050, C>T on the plus strand (G>A on the coding strand, the complement: NLGN4X is on the minus strand). VCF-style: chrX-5893050-C-T. GRCh37 (hg19) VCF-style: chrX-5811091-C-T.
Other names: c.2218G>A, p.Asp740Asn (NM_001282145.2, NM_001282146.2, NM_020742.4); short protein forms D740N.
Identifiers: ClinVar variation 72999 (VCV000072999.2), dbSNP rs149065055, ClinGen allele CA326308994.